The following is an entry in ClinVar:

NM_080646.2(TBX1):c.1165G>A (p.Ala389Thr)

Gene: TBX1 (T-box transcription factor 1; plus strand). Cytogenetic location: 22q11.21.
Variant type: single nucleotide variant.
Coding change: c.1165G>A on transcript NM_080646.2; coding-DNA position 1165, G replaced by A.
Protein change: p.Ala389Thr; replaces alanine 389 with threonine.
Molecular consequence: missense variant. On other transcripts: intron variant (1).
Genome position (GRCh38, 1-based): chr22:19,779,375, G>A. VCF-style: chr22-19779375-G-A. GRCh37 (hg19) VCF-style: chr22-19766898-G-A.
Other names: c.1010-3538G>A (NM_005992.1); short protein forms A389T.
Identifiers: ClinVar variation 5000949 (VCV005000949.1).

ClinVar aggregate classification (germline): Uncertain significance (1 of 4 stars; one submission).

Conditions:
TBX1-related disorder. Also called: TBX1-related condition; TBX1-Related Disorders.

Submission:

PreventionGenetics, part of Exact Sciences
Classification: Uncertain significance for TBX1-related condition. Last evaluated: 2025-06-04. Review status: criteria provided, single submitter. Criteria: ACMG Guidelines, 2015. Collection method: clinical testing. Allele origin: germline.
Comment: The TBX1 c.1165G>A variant is predicted to result in the amino acid substitution p.Ala389Thr. To our knowledge, this variant has not been reported in the literature or in a large population database (gnomAD), indicating this variant is rare. At this time, the clinical significance of this variant is uncertain due to the absence of conclusive functional and genetic evidence.